The following is an entry in ClinVar:

ClinVar aggregate classification (germline): Benign/Likely benign. Review status: criteria provided, multiple submitters, no conflicts (2 of 4 stars). 4 submissions from 4 submitters: Benign (2); Likely benign (1). 1 of the submissions does not count toward it. Last evaluated 2024-11-20.

Conditions:
CLIC5-related disorder. Also called: CLIC5-related condition.

Allele frequency attached by ClinVar (database versions not stated): ExAC 0.00191; gnomAD exomes 0.00279 and 0.01362; gnomAD 0.00605 and 0.00634; TOPMed 0.00807; 1000 Genomes Project 0.00819; 1000 Genomes Project 30x 0.00859.
gnomAD v4.1: 4,811 of 1,529,020 alleles (0.31%); highest among the groups gnomAD compares: Admixed American, 5.4%; 135 homozygotes.

Submissions (4):

Blueprint Genetics
Classification: Likely benign. Last evaluated: 2024-11-20. Review status: criteria provided, single submitter. Criteria: ACMG Guidelines, 2015. Collection method: clinical testing. Allele origin: germline.

GeneDx
Classification: Benign. Last evaluated: 2018-07-01. Review status: criteria provided, single submitter. Criteria: GeneDx Variant Classification Process June 2021. Collection method: clinical testing. Allele origin: germline. Affected: yes.

Laboratory for Molecular Medicine, Mass General Brigham Personalized Medicine
Classification: Benign. Last evaluated: 2017-08-23. Review status: criteria provided, single submitter. Criteria: LMM Criteria. Collection method: clinical testing. Allele origin: germline. Observed: 5 variant alleles.
Comment: c.589-3T>C in intron 5 of CLIC5: This variant is not expected to have clinical s ignificance because it has been identified in 2.78% (5/180) of Latino chromosome s by the Exome Aggregation Consortium (ExAC; dbS NP rs75780343).

PreventionGenetics, part of Exact Sciences
Classification: Benign for CLIC5-related condition. Last evaluated: 2019-07-24. Review status: no assertion criteria provided. Collection method: clinical testing. Allele origin: germline. Not counted in ClinVar's aggregate classification.
Comment: This variant is classified as benign based on ACMG/AMP sequence variant interpretation guidelines (Richards et al. 2015 PMID: 25741868, with internal and published modifications).

NM_016929.5(CLIC5):c.588+1486T>C

Gene: CLIC5 (CLIC family member 5; minus strand). Cytogenetic location: 6p21.1.
Variant type: single nucleotide variant.
Coding change: c.588+1486T>C on transcript NM_016929.5 (MANE Select); 1486 bases into the intron after coding-DNA position 588, T replaced by C.
Molecular consequence: intron variant.
Genome position (GRCh38, 1-based): chr6:45,912,742, A>G on the plus strand (T>C on the coding strand, the complement: CLIC5 is on the minus strand). VCF-style: chr6-45912742-A-G. GRCh37 (hg19) VCF-style: chr6-45880479-A-G.
Other names: c.471+1486T>C (NM_001370649.1); c.1065+1486T>C (NM_001370650.1, NM_001114086.2); c.589-3T>C (NM_001256023.2).
Identifiers: ClinVar variation 666619 (VCV000666619.9), dbSNP rs75780343, ClinGen allele CA3836724.